The following is an entry in ClinVar:

ClinVar aggregate classification (germline): Benign/Likely benign. Review status: criteria provided, multiple submitters, no conflicts (2 of 4 stars). 3 submissions from 3 submitters: Benign (1); Likely benign (2). Last evaluated 2025-02-08.

Conditions:
Hereditary cancer-predisposing syndrome. Also called: Tumor predisposition; Hereditary Cancer Syndrome; Neoplastic Syndromes, Hereditary; Hereditary neoplastic syndrome. Identifiers: Orphanet 140162, MedGen C0027672, MeSH D009386, MONDO:0015356.
Hereditary diffuse gastric adenocarcinoma (HDGC). Also called: DIFFUSE GASTRIC AND LOBULAR BREAST CANCER SYNDROME. Identifiers: Orphanet 26106, MedGen C1708349, MONDO:0007648, OMIM 137215.

Submissions (3):

Ambry Genetics
Classification: Likely benign for Hereditary cancer-predisposing syndrome. Last evaluated: 2025-02-08. Review status: criteria provided, single submitter. Criteria: Ambry Variant Classification Scheme 2023. Collection method: clinical testing. Allele origin: germline.

Myriad Genetics, Inc.
Classification: Benign for Hereditary diffuse gastric adenocarcinoma. Last evaluated: 2024-10-11. Review status: criteria provided, single submitter. Criteria: Myriad Autosomal Dominant, Autosomal Recessive and X-Linked Classification Criteria (2023). Collection method: clinical testing. Allele origin: unknown.
Comment: This variant is considered benign. This variant is a silent/synonymous amino acid change and it is not expected to impact splicing.

Labcorp Genetics (formerly Invitae), Labcorp
Classification: Likely benign. Last evaluated: 2024-02-11. Review status: criteria provided, single submitter. Criteria: Invitae Variant Classification Sherloc (09022015). Collection method: clinical testing. Allele origin: germline.

NM_001903.5(CTNNA1):c.1611C>T (p.Gly537=)

Gene: CTNNA1 (catenin alpha 1; plus strand). Cytogenetic location: 5q31.2.
Variant type: single nucleotide variant.
Coding change: c.1611C>T on transcript NM_001903.5 (MANE Select); coding-DNA position 1611, C replaced by T.
Protein change: p.Gly537=; no amino-acid change (glycine 537 retained).
Molecular consequence: synonymous variant.
Genome position (GRCh38, 1-based): chr5:138,924,574, C>T. VCF-style: chr5-138924574-C-T. GRCh37 (hg19) VCF-style: chr5-138260263-C-T.
Other names: c.1611C>T, p.Gly537= (NM_001290307.3, NM_001323982.2, NM_001323983.1 and 2 more transcripts); c.1302C>T, p.Gly434= (NM_001290309.3); c.1242C>T, p.Gly414= (NM_001290310.3); c.501C>T, p.Gly167= (NM_001290312.1, NM_001323987.1, NM_001323988.1 and 17 more transcripts); c.1518C>T, p.Gly506= (NM_001323986.2); c.1611C>T (NM_001903.2); c.162C>T, p.Gly54= (NM_001324006.1, NM_001324007.1, NM_001324008.1 and 2 more transcripts); c.408C>T, p.Gly136= (NM_001324011.1); and 1 more.
Identifiers: ClinVar variation 763565 (VCV000763565.10), dbSNP rs1580854872, ClinGen allele CA446596856.
Genomic context (GRCh38, chr5:138,924,574, plus strand): 5'-TCACATTTTGGAAGATGTGAACAAATGTGTCATTGCTCTCCAAGAGAAGGATGTGGATGG[C>T]CTGGACCGCACAGCTGGTGCAATTCGAGGCCGGGCAGCCCGGGTCATTCACGTAGTCACC-3'
Protein context (NP_001894.2, residues 527-547): VIALQEKDVD[Gly537=]LDRTAGAIRG